The following is an entry in ClinVar:

ClinVar aggregate classification (germline): Uncertain significance. Review status: criteria provided, multiple submitters, no conflicts (2 of 4 stars). 2 submissions from 2 submitters: Uncertain significance (2). Last evaluated 2025-02-25.

Conditions:
Inborn genetic diseases. Identifiers: MedGen C0950123, MeSH D030342.
Familial cold autoinflammatory syndrome 2 (FCAS2). Identifiers: Orphanet 247868, MedGen C2673198, MONDO:0012724, OMIM 611762.

Allele frequency attached by ClinVar (database versions not stated): gnomAD exomes below 0.00001 and 0.00001; TOPMed below 0.00001; gnomAD 0.00004; 1000 Genomes Project 30x 0.00016; 1000 Genomes Project 0.00020.
gnomAD v4.1: 13 of 1,613,932 alleles (0.00081%); highest among the groups gnomAD compares: Admixed American, 0.0083%; no homozygotes.

Submissions (2):

Ambry Genetics
Classification: Uncertain significance for Inborn genetic diseases. Last evaluated: 2025-02-25. Review status: criteria provided, single submitter. Criteria: Ambry Variant Classification Scheme 2023. Collection method: clinical testing. Allele origin: germline.

Labcorp Genetics (formerly Invitae), Labcorp
Classification: Uncertain significance for Familial cold autoinflammatory syndrome 2. Last evaluated: 2024-09-06. Review status: criteria provided, single submitter. Criteria: Invitae Variant Classification Sherloc (09022015). Collection method: clinical testing. Allele origin: germline.
Comment: This sequence change replaces glutamic acid, which is acidic and polar, with lysine, which is basic and polar, at codon 760 of the NLRP12 protein (p.Glu760Lys). This variant is present in population databases (rs202007906, gnomAD 0.002%). This variant has not been reported in the literature in individuals affected with NLRP12-related conditions. ClinVar contains an entry for this variant (Variation ID: 1440803). Invitae Evidence Modeling of protein sequence and biophysical properties (such as structural, functional, and spatial information, amino acid conservation, physicochemical variation, residue mobility, and thermodynamic stability) indicates that this missense variant is not expected to disrupt NLRP12 protein function with a negative predictive value of 80%. In summary, the available evidence is currently insufficient to determine the role of this variant in disease. Therefore, it has been classified as a Variant of Uncertain Significance.

NM_144687.4(NLRP12):c.2278G>A (p.Glu760Lys)

Gene: NLRP12 (NLR family pyrin domain containing 12; minus strand). Cytogenetic location: 19q13.42.
Variant type: single nucleotide variant.
Coding change: c.2278G>A on transcript NM_144687.4 (MANE Select); coding-DNA position 2278, G replaced by A.
Protein change: p.Glu760Lys; replaces glutamic acid 760 with lysine.
Molecular consequence: missense variant.
Genome position (GRCh38, 1-based): chr19:53,805,416, C>T on the plus strand (G>A on the coding strand, the complement: NLRP12 is on the minus strand). VCF-style: chr19-53805416-C-T. GRCh37 (hg19) VCF-style: chr19-54308670-C-T.
Other names: c.2281G>A, p.Glu761Lys (NM_001277126.2); c.2278G>A, p.Glu760Lys (NM_001277129.1); c.2278G>A (NM_144687.2); short protein forms E760K, E761K.
Identifiers: ClinVar variation 1440803 (VCV001440803.9), dbSNP rs202007906, ClinGen allele CA310065705.